The following is an entry in ClinVar:

ClinVar aggregate classification (germline): Uncertain significance (1 of 4 stars; one submission).

Submission:

Labcorp Genetics (formerly Invitae), Labcorp
Classification: Uncertain significance. Last evaluated: 2025-08-19. Review status: criteria provided, single submitter. Criteria: Invitae Variant Classification Sherloc (09022015). Collection method: clinical testing. Allele origin: germline.
Comment: This sequence change replaces aspartic acid, which is acidic and polar, with glutamic acid, which is acidic and polar, at codon 145 of the TRIM28 protein (p.Asp145Glu). This variant is present in population databases (rs749211856, gnomAD 0.006%). This variant has not been reported in the literature in individuals affected with TRIM28-related conditions. Experimental studies and prediction algorithms are not available or were not evaluated, and the functional significance of this variant is currently unknown. In summary, the available evidence is currently insufficient to determine the role of this variant in disease. Therefore, it has been classified as a Variant of Uncertain Significance.

NM_005762.3(TRIM28):c.435C>G (p.Asp145Glu)

Gene: TRIM28 (tripartite motif containing 28; plus strand). Cytogenetic location: 19q13.43.
Variant type: single nucleotide variant.
Coding change: c.435C>G on transcript NM_005762.3 (MANE Select); coding-DNA position 435, C replaced by G.
Protein change: p.Asp145Glu; replaces aspartic acid 145 with glutamic acid.
Molecular consequence: missense variant.
Genome position (GRCh38, 1-based): chr19:58,545,519, C>G. VCF-style: chr19-58545519-C-G. GRCh37 (hg19) VCF-style: chr19-59056886-C-G.
Other names: short protein forms D145E.
Identifiers: ClinVar variation 4804729 (VCV004804729.1).